The following is an entry in ClinVar:

NC_000001.10:g.(?_11734832)_(11740658_?)dup

Gene: MAD2L2 (mitotic arrest deficient 2 like 2; minus strand). Cytogenetic location: 1p36.22.
Variant type: Duplication.
Identifiers: ClinVar variation 2423759 (VCV002423759.3).

ClinVar aggregate classification (germline): Uncertain significance (1 of 4 stars; one submission).

Submission:

Labcorp Genetics (formerly Invitae), Labcorp
Classification: Uncertain significance. Last evaluated: 2022-06-16. Review status: criteria provided, single submitter. Criteria: Invitae Variant Classification Sherloc (09022015). Collection method: clinical testing. Allele origin: germline.
Comment: In summary, the available evidence is currently insufficient to determine the role of this variant in disease. Therefore, it has been classified as a Variant of Uncertain Significance. This variant has not been reported in the literature in individuals affected with MAD2L2-related conditions. A copy number gain of the genomic region encompassing the full coding sequence of the MAD2L2 gene has been identified. The boundaries of this event are unknown as they extend beyond the assayed region for this gene and therefore may encompass additional genes. As the precise location of this event is unknown, it may be in tandem or it may be located elsewhere in the genome.